The following is an entry in ClinVar:

NM_001035.3(RYR2):c.13295A>C (p.Lys4432Thr)

Gene: RYR2 (ryanodine receptor 2; plus strand). Cytogenetic location: 1q43.
Variant type: single nucleotide variant.
Coding change: c.13295A>C on transcript NM_001035.3 (MANE Select); coding-DNA position 13295, A replaced by C.
Protein change: p.Lys4432Thr; replaces lysine 4432 with threonine.
Molecular consequence: missense variant.
Genome position (GRCh38, 1-based): chr1:237,786,003, A>C. VCF-style: chr1-237786003-A-C. GRCh37 (hg19) VCF-style: chr1-237949303-A-C.
Other names: short protein forms K4432T.
Identifiers: ClinVar variation 4614852 (VCV004614852.1).

ClinVar aggregate classification (germline): Uncertain significance (1 of 4 stars; one submission).

Conditions:
Cardiovascular phenotype. Identifiers: MedGen CN230736.

gnomAD v4.1: 1 of 1,592,562 alleles (0.000063%); highest among the groups gnomAD compares: African/African-American, 0.0013%; no homozygotes.

Submission:

Ambry Genetics
Classification: Uncertain significance for Cardiovascular phenotype. Last evaluated: 2025-10-10. Review status: criteria provided, single submitter. Criteria: Ambry Variant Classification Scheme 2023. Collection method: clinical testing. Allele origin: germline.
Comment: The p.K4432T variant (also known as c.13295A>C), located in coding exon 91 of the RYR2 gene, results from an A to C substitution at nucleotide position 13295. The lysine at codon 4432 is replaced by threonine, an amino acid with similar properties. This amino acid position is well conserved in available vertebrate species. In addition, the in silico prediction for this alteration is inconclusive. Based on the available evidence, the clinical significance of this variant remains unclear.